The following is an entry in ClinVar:

ClinVar aggregate classification (germline): Conflicting classifications of pathogenicity. Review status: criteria provided, conflicting classifications (1 of 4 stars). 4 submissions from 4 submitters: Uncertain significance (3); Likely benign (1). Last evaluated 2025-06-02.

Conditions:
Kleefstra syndrome 1 (KLEFS1). Identifiers: Orphanet 261494, MedGen C0795833, MONDO:0027407, OMIM 610253.
Inborn genetic diseases. Identifiers: MedGen C0950123, MeSH D030342.

Allele frequency attached by ClinVar (database versions not stated): gnomAD 0.00001; gnomAD exomes 0.00001; TOPMed 0.00003.

Submissions (4):

Labcorp Genetics (formerly Invitae), Labcorp
Classification: Likely benign for Kleefstra syndrome 1. Last evaluated: 2025-06-02. Review status: criteria provided, single submitter. Criteria: Invitae Variant Classification Sherloc (09022015). Collection method: clinical testing. Allele origin: germline.

GeneDx
Classification: Uncertain significance. Last evaluated: 2024-04-22. Review status: criteria provided, single submitter. Criteria: GeneDx Variant Classification Process June 2021. Collection method: clinical testing. Allele origin: germline. Affected: yes.
Comment: Has not been previously published as pathogenic or benign to our knowledge; Not observed at significant frequency in large population cohorts (gnomAD); In silico analysis supports that this missense variant does not alter protein structure/function; This variant is associated with the following publications: (PMID: 27535533)

New York Genome Center
Classification: Uncertain significance for Kleefstra syndrome 1. Last evaluated: 2020-04-30. Review status: criteria provided, single submitter. Criteria: NYGC Assertion Criteria 2020. Collection method: clinical testing. Allele origin: germline. Observed: 1 heterozygote. Study: CSER-NYCKidSeq.
Comment: The heterozygous p.Arg807Lys variant identified in EHMT1 has not been reported in affected individuals in the literature. The variant is absent from the gnomAD database indicating it is an extremely rare allele. The variant affects an evolutionary conserved residue and is predicted deleterious by some but not all in silico prediction tools. No functional studies have been performed to evaluate the impact of this variant on normal function of the EHMT1-encoded protein. Based on the current evidence, the p.Arg807Lys variant in the EHMT1 gene is assessed as variant of uncertain significance.

Ambry Genetics
Classification: Uncertain significance for Inborn genetic diseases. Last evaluated: 2016-07-25. Review status: criteria provided, single submitter. Criteria: Ambry Variant Classification Scheme 2023. Collection method: clinical testing. Allele origin: germline.
Comment: The p.R807K variant (also known as c.2420G>A), located in coding exon 16 of the EHMT1 gene, results from a G to A substitution at nucleotide position 2420. The arginine at codon 807 is replaced by lysine, an amino acid with highly similar properties. This variant was not reported in population based cohorts in the following databases: Database of Single Nucleotide Polymorphisms (dbSNP), NHLBI Exome Sequencing Project (ESP), and 1000 Genomes Project. In the ESP, this variant was not observed in 6503 samples (13006 alleles) with coverage at this position. This amino acid position is highly conserved in available vertebrate species. In addition, the in silico prediction for this alteration is inconclusive. Based on available evidence to date, the clinical significance of this variant remains unclear.

NM_024757.5(EHMT1):c.2420G>A (p.Arg807Lys)

Gene: EHMT1 (euchromatic histone lysine methyltransferase 1; plus strand). Cytogenetic location: 9q34.3.
Variant type: single nucleotide variant.
Coding change: c.2420G>A on transcript NM_024757.5 (MANE Select); coding-DNA position 2420, G replaced by A.
Protein change: p.Arg807Lys; replaces arginine 807 with lysine.
Molecular consequence: missense variant.
Genome position (GRCh38, 1-based): chr9:137,790,885, G>A. VCF-style: chr9-137790885-G-A. GRCh37 (hg19) VCF-style: chr9-140685337-G-A.
Other names: c.2327G>A, p.Arg776Lys (NM_001354259.2); c.2399G>A, p.Arg800Lys (NM_001354263.2); short protein forms R807K, R776K, R800K.
Identifiers: ClinVar variation 424020 (VCV000424020.21), dbSNP rs1064796750, ClinGen allele CA16618818.
Genomic context (GRCh38, chr9:137,790,885, plus strand): 5'-CACCTGAACTGTTGTTTCACTAGGCGGGCGCTAATATTGACACCTGCTCAGAAGACCAGA[G>A]GACCCCGTTGATGGAAGCAGCCGAAAACAACCATCTGGAAGCAGTGAAGTACCTCATCAA-3'
Protein context (NP_079033.4, residues 797-817): ANIDTCSEDQ[Arg807Lys]TPLMEAAENN